The following is an entry in ClinVar:

ClinVar aggregate classification (germline): Uncertain significance. Review status: criteria provided, multiple submitters, no conflicts (2 of 4 stars). 2 submissions from 2 submitters: Uncertain significance (2). Last evaluated 2025-12-07.

Conditions:
VCAN-related disorder. Also called: VCAN-related condition.

Allele frequency attached by ClinVar (database versions not stated): gnomAD exomes below 0.00001; gnomAD 0.00001; TOPMed 0.00001.
gnomAD v4.1: 2 of 1,600,624 alleles (0.00012%); highest among the groups gnomAD compares: Admixed American, 0.0033%; no homozygotes.

Submissions (2):

PreventionGenetics, part of Exact Sciences
Classification: Uncertain significance for VCAN-related condition. Last evaluated: 2025-12-07. Review status: criteria provided, single submitter. Criteria: ACMG Guidelines, 2015. Collection method: clinical testing. Allele origin: germline.
Comment: The VCAN c.3934C>T variant is predicted to result in the amino acid substitution p.Pro1312Ser. To our knowledge, this variant has not been reported in the literature or in a large population database (gnomAD), indicating this variant is rare. At this time, the clinical significance of this variant is uncertain due to the absence of conclusive functional and genetic evidence.

Labcorp Genetics (formerly Invitae), Labcorp
Classification: Uncertain significance. Last evaluated: 2022-06-27. Review status: criteria provided, single submitter. Criteria: Invitae Variant Classification Sherloc (09022015). Collection method: clinical testing. Allele origin: germline.
Comment: This sequence change replaces proline, which is neutral and non-polar, with serine, which is neutral and polar, at codon 1312 of the VCAN protein (p.Pro1312Ser). This variant is not present in population databases (gnomAD no frequency). In summary, the available evidence is currently insufficient to determine the role of this variant in disease. Therefore, it has been classified as a Variant of Uncertain Significance. Algorithms developed to predict the effect of missense changes on protein structure and function (SIFT, PolyPhen-2, Align-GVGD) all suggest that this variant is likely to be disruptive. This variant has not been reported in the literature in individuals affected with VCAN-related conditions.

NM_004385.5(VCAN):c.3934C>T (p.Pro1312Ser)

Gene: VCAN (versican; plus strand). Cytogenetic location: 5q14.3.
Variant type: single nucleotide variant.
Coding change: c.3934C>T on transcript NM_004385.5 (MANE Select); coding-DNA position 3934, C replaced by T.
Protein change: p.Pro1312Ser; replaces proline 1312 with serine.
Molecular consequence: missense variant. On other transcripts: intron variant (2).
Genome position (GRCh38, 1-based): chr5:83,522,240, C>T. VCF-style: chr5-83522240-C-T. GRCh37 (hg19) VCF-style: chr5-82818059-C-T.
Other names: c.3934C>T (NM_004385.4); c.3934C>T, p.Pro1312Ser (NM_001164098.2); c.1042+9844C>T (NM_001164097.2, NM_001126336.3); short protein forms P1312S.
Identifiers: ClinVar variation 1397733 (VCV001397733.7), dbSNP rs1746137300, ClinGen allele CA360307124.